The following is an entry in ClinVar:

NM_006059.4(LAMC3):c.1648C>T (p.Gln550Ter)

Genes: LAMC3 (laminin subunit gamma 3; plus strand), LOC126860777 (BRD4-independent group 4 enhancer GRCh37_chr9:133927058-133928257; plus strand). Cytogenetic location: 9q34.12.
Variant type: single nucleotide variant.
Coding change: c.1648C>T on transcript NM_006059.4 (MANE Select); coding-DNA position 1648, C replaced by T.
Protein change: p.Gln550Ter; replaces glutamine 550 with a stop codon.
Molecular consequence: nonsense.
Genome position (GRCh38, 1-based): chr9:131,052,508, C>T. VCF-style: chr9-131052508-C-T. GRCh37 (hg19) VCF-style: chr9-133927895-C-T.
Other names: short protein forms Q550*.
Identifiers: ClinVar variation 2208211 (VCV002208211.5), dbSNP rs868403677, ClinGen allele CA200704008.

ClinVar aggregate classification (germline): Pathogenic. Review status: criteria provided, multiple submitters, no conflicts (2 of 4 stars). 2 submissions from 2 submitters: Pathogenic (2). Last evaluated 2024-02-08.

Conditions:
Inborn genetic diseases. Identifiers: MedGen C0950123, MeSH D030342.

Allele frequency attached by ClinVar (database versions not stated): gnomAD 0.00001; gnomAD exomes 0.00001; TOPMed 0.00001.
gnomAD v4.1: 14 of 1,614,020 alleles (0.00087%); highest among the groups gnomAD compares: Non-Finnish European, 0.001%; no homozygotes.

Submissions (2):

Labcorp Genetics (formerly Invitae), Labcorp
Classification: Pathogenic. Last evaluated: 2024-02-08. Review status: criteria provided, single submitter. Criteria: Invitae Variant Classification Sherloc (09022015). Collection method: clinical testing. Allele origin: germline.
Comment: This sequence change creates a premature translational stop signal (p.Gln550*) in the LAMC3 gene. It is expected to result in an absent or disrupted protein product. Loss-of-function variants in LAMC3 are known to be pathogenic (PMID: 21572413, 26802095). This variant is not present in population databases (gnomAD no frequency). This variant has not been reported in the literature in individuals affected with LAMC3-related conditions. ClinVar contains an entry for this variant (Variation ID: 2208211). Algorithms developed to predict the effect of sequence changes on RNA splicing suggest that this variant may disrupt the consensus splice site. For these reasons, this variant has been classified as Pathogenic.

Ambry Genetics
Classification: Pathogenic for Inborn genetic diseases. Last evaluated: 2022-08-17. Review status: criteria provided, single submitter. Criteria: Ambry Variant Classification Scheme 2023. Collection method: clinical testing. Allele origin: germline.
Comment: The c.1648C>T (p.Q550*) alteration, located in exon 10 (coding exon 10) of the LAMC3 gene, consists of a C to T substitution at nucleotide position 1648. This changes the amino acid from a glutamine (Q) to a stop codon at amino acid position 550. This alteration is expected to result in loss of function by premature protein truncation or nonsense-mediated mRNA decay. Based on data from gnomAD, the T allele has an overall frequency of <0.01% (3/251264) total alleles studied. The highest observed frequency was <0.01% (3/113578) of European (non-Finnish) alleles. This alteration has been identified in two patients with autism; however, it is not known whether a second LAMC3 variant was present in either of those individuals (Stessman, 2017). Based on the available evidence, this alteration is classified as pathogenic.

Literature cited by the submitters: PubMed 21572413 (cited by Labcorp Genetics (formerly Invitae), Labcorp); PubMed 26802095 (cited by Labcorp Genetics (formerly Invitae), Labcorp); PubMed 28191889 (cited by Ambry Genetics).